The following is an entry in ClinVar:

NM_001303052.2(MYT1L):c.2419C>T (p.Arg807Trp)

Gene: MYT1L (myelin transcription factor 1 like; minus strand). Cytogenetic location: 2p25.3.
Variant type: single nucleotide variant.
Coding change: c.2419C>T on transcript NM_001303052.2 (MANE Select); coding-DNA position 2419, C replaced by T.
Protein change: p.Arg807Trp; replaces arginine 807 with tryptophan.
Molecular consequence: missense variant.
Genome position (GRCh38, 1-based): chr2:1,889,342, G>A on the plus strand (C>T on the coding strand, the complement: MYT1L is on the minus strand). VCF-style: chr2-1889342-G-A. GRCh37 (hg19) VCF-style: chr2-1893114-G-A.
Other names: c.2419C>T, p.Arg807Trp (NM_001329844.2, NM_001329845.1, NM_001329851.3); c.2413C>T, p.Arg805Trp (NM_001329846.3, NM_001329847.2, NM_001329848.1 and 3 more transcripts); short protein forms R805W, R807W.
Identifiers: ClinVar variation 4755862 (VCV004755862.1).

ClinVar aggregate classification (germline): Uncertain significance (1 of 4 stars; one submission).

Submission:

GeneDx
Classification: Uncertain significance. Last evaluated: 2025-08-06. Review status: criteria provided, single submitter. Criteria: GeneDx Variant Classification Process June 2021. Collection method: clinical testing. Allele origin: germline. Affected: yes.
Comment: Not observed at significant frequency in large population cohorts (gnomAD); In silico analysis supports that this missense variant has a deleterious effect on protein structure/function; Has not been previously published as pathogenic or benign to our knowledge